The following is an entry in ClinVar:

ClinVar aggregate classification (germline): Conflicting classifications of pathogenicity. Review status: criteria provided, conflicting classifications (1 of 4 stars). 3 submissions from 3 submitters: Uncertain significance (2); Likely benign (1). Last evaluated 2025-08-15.

Conditions:
Hereditary cancer-predisposing syndrome. Also called: Neoplastic Syndromes, Hereditary; Tumor predisposition; Hereditary Cancer Syndrome; Hereditary neoplastic syndrome. Identifiers: Orphanet 140162, MedGen C0027672, MeSH D009386, MONDO:0015356.
Multiple endocrine neoplasia, type 2 (MEN2). Identifiers: Orphanet 653, MedGen C4048306, MONDO:0019003. Disease mechanism: gain of function.

Submissions (3):

Ambry Genetics
Classification: Likely benign for Hereditary cancer-predisposing syndrome. Last evaluated: 2025-08-15. Review status: criteria provided, single submitter. Criteria: Ambry Variant Classification Scheme 2023. Collection method: clinical testing. Allele origin: germline.

Labcorp Genetics (formerly Invitae), Labcorp
Classification: Uncertain significance for Multiple endocrine neoplasia, type 2. Last evaluated: 2025-05-23. Review status: criteria provided, single submitter. Criteria: Invitae Variant Classification Sherloc (09022015). Collection method: clinical testing. Allele origin: germline.
Comment: This sequence change replaces threonine, which is neutral and polar, with alanine, which is neutral and non-polar, at codon 503 of the RET protein (p.Thr503Ala). This variant is not present in population databases (gnomAD no frequency). This variant has not been reported in the literature in individuals affected with RET-related conditions. ClinVar contains an entry for this variant (Variation ID: 2916327). An algorithm developed to predict the effect of missense changes on protein structure and function outputs the following: PolyPhen-2: "Benign". The alanine amino acid residue is found in multiple mammalian species, which suggests that this missense change does not adversely affect protein function. In summary, the available evidence is currently insufficient to determine the role of this variant in disease. Therefore, it has been classified as a Variant of Uncertain Significance.

GeneDx
Classification: Uncertain significance. Last evaluated: 2023-12-01. Review status: criteria provided, single submitter. Criteria: GeneDx Variant Classification Process June 2021. Collection method: clinical testing. Allele origin: germline. Affected: yes.
Comment: Not observed at significant frequency in large population cohorts (gnomAD); In silico analysis supports that this missense variant does not alter protein structure/function; Has not been previously published as pathogenic or benign to our knowledge

NM_020975.6(RET):c.1507A>G (p.Thr503Ala)

Gene: RET (ret proto-oncogene; plus strand). Cytogenetic location: 10q11.21.
Variant type: single nucleotide variant.
Coding change: c.1507A>G on transcript NM_020975.6 (MANE Select); coding-DNA position 1507, A replaced by G.
Protein change: p.Thr503Ala; replaces threonine 503 with alanine.
Molecular consequence: missense variant. On other transcripts: intron variant (15).
Genome position (GRCh38, 1-based): chr10:43,111,450, A>G. VCF-style: chr10-43111450-A-G. GRCh37 (hg19) VCF-style: chr10-43606898-A-G.
Other names: c.1507A>G, p.Thr503Ala (NM_000323.2, NM_001406743.1, NM_001406744.1 and 6 more transcripts); c.745A>G, p.Thr249Ala (NM_001355216.2); c.1378A>G, p.Thr460Ala (NM_001406761.1, NM_001406762.1, NM_001406764.1 and 1 more transcripts); c.1219A>G, p.Thr407Ala (NM_001406766.1, NM_001406767.1, NM_001406770.1); c.1111A>G, p.Thr371Ala (NM_001406769.1, NM_001406772.1); c.1069A>G, p.Thr357Ala (NM_001406771.1, NM_001406773.1); c.982A>G, p.Thr328Ala (NM_001406774.1); c.781A>G, p.Thr261Ala (NM_001406775.1, NM_001406776.1, NM_001406777.1 and 1 more transcripts); and 5 more; short protein forms T173A, T249A, T357A, T503A, T261A, T407A, T460A, T328A.
Identifiers: ClinVar variation 2916327 (VCV002916327.5), dbSNP rs2132776895, ClinGen allele CA376550003.
Genomic context (GRCh38, chr10:43,111,450, plus strand): 5'-TACATGGTGGTGGCCACCGACCAGCAGACCTCTAGGCAGGCCCAGGCCCAGCTGCTTGTA[A>G]CAGTGGAGGGGTCATGTGAGTGCCTGCTCCAGGGAGGGAGGGTCGGGGTCCTGGGGGCTT-3'
Protein context (NP_066124.1, residues 493-513): SRQAQAQLLV[Thr503Ala]VEGSYVAEEA